The following is an entry in ClinVar:

ClinVar aggregate classification (germline): Uncertain significance. Review status: criteria provided, multiple submitters, no conflicts (2 of 4 stars). 5 submissions from 5 submitters: Uncertain significance (5). Last evaluated 2026-04-10.

Conditions:
Classic or attenuated familial adenomatous polyposis. Identifiers: MedGen CN372698, MONDO:0021057.
Familial adenomatous polyposis 1 (FAP1). Also called: FAMILIAL ADENOMATOUS POLYPOSIS 1, ATTENUATED; POLYPOSIS, ADENOMATOUS INTESTINAL. Identifiers: MedGen C2713442, MONDO:0021056, OMIM 175100. Disease mechanism: loss of function.
Hereditary cancer-predisposing syndrome. Also called: Tumor predisposition; Hereditary Cancer Syndrome; Neoplastic Syndromes, Hereditary; Hereditary neoplastic syndrome. Identifiers: Orphanet 140162, MedGen C0027672, MeSH D009386, MONDO:0015356.

Allele frequency attached by ClinVar (database versions not stated): TOPMed below 0.00001.

Submissions (5):

Ambry Genetics
Classification: Uncertain significance for Hereditary cancer-predisposing syndrome. Last evaluated: 2026-04-10. Review status: criteria provided, single submitter. Criteria: Ambry Variant Classification Scheme 2023. Collection method: clinical testing. Allele origin: germline.
Comment: The p.C2123Y variant (also known as c.6368G>A), located in coding exon 15 of the APC gene, results from a G to A substitution at nucleotide position 6368. The cysteine at codon 2123 is replaced by tyrosine, an amino acid with highly dissimilar properties. This alteration has been reported in 1/1197 individuals from Greece, Romania, and Turkey undergoing evaluation for inherited cancer predisposition (Tsaousis GN et al. BMC Cancer, 2019 Jun;19:535). This amino acid position is not well conserved in available vertebrate species. In addition, in silico predictors for this gene do not accurately predict pathogenicity. Missense alterations in APC are not a common cause of disease (Spier I et al. Genet Med. 2024 Feb;26(2):100992). Based on the available evidence, the clinical significance of this variant remains unclear.

Labcorp Genetics (formerly Invitae), Labcorp
Classification: Uncertain significance for Familial adenomatous polyposis 1. Last evaluated: 2025-05-07. Review status: criteria provided, single submitter. Criteria: Invitae Variant Classification Sherloc (09022015). Collection method: clinical testing. Allele origin: germline.
Comment: This sequence change replaces cysteine, which is neutral and slightly polar, with tyrosine, which is neutral and polar, at codon 2123 of the APC protein (p.Cys2123Tyr). This variant is not present in population databases (gnomAD no frequency). This variant has not been reported in the literature in individuals affected with APC-related conditions. ClinVar contains an entry for this variant (Variation ID: 571535). Invitae Evidence Modeling of protein sequence and biophysical properties (such as structural, functional, and spatial information, amino acid conservation, physicochemical variation, residue mobility, and thermodynamic stability) indicates that this missense variant is not expected to disrupt APC protein function with a negative predictive value of 95%. In summary, the available evidence is currently insufficient to determine the role of this variant in disease. Therefore, it has been classified as a Variant of Uncertain Significance.

All of Us Research Program, National Institutes of Health
Classification: Uncertain significance for Classic or attenuated familial adenomatous polyposis. Last evaluated: 2024-03-05. Review status: criteria provided, single submitter. Criteria: ACMG Guidelines, 2015. Collection method: clinical testing. Allele origin: germline. Inheritance: Autosomal dominant inheritance. Observed: 1 variant allele, 1 heterozygote.
Comment: This missense variant replaces cysteine with tyrosine at codon 2123 of the APC protein. Computational prediction suggests that this variant may not impact protein structure and function (internally defined REVEL score threshold <= 0.5, PMID: 27666373). To our knowledge, functional studies have not been reported for this variant. This variant has not been reported in individuals affected with hereditary cancer in the literature. This variant has not been identified in the general population by the Genome Aggregation Database (gnomAD). The available evidence is insufficient to determine the role of this variant in disease conclusively. Therefore, this variant is classified as a Variant of Uncertain Significance.

This study involves interpretation of variants in research participants for the purpose of population health screening. Participant phenotype was not available at the time of variant classification. Additional details can be found in publication PMID: 35346344, PMCID: PMC8962531

Color Diagnostics, LLC DBA Color Health
Classification: Uncertain significance for Hereditary cancer-predisposing syndrome. Last evaluated: 2022-03-03. Review status: criteria provided, single submitter. Criteria: ACMG Guidelines, 2015. Collection method: clinical testing. Allele origin: germline.
Comment: This missense variant replaces cysteine with tyrosine at codon 2123 of the APC protein. Computational prediction suggests that this variant may not impact protein structure and function (internally defined REVEL score threshold <= 0.5, PMID: 27666373). To our knowledge, functional studies have not been reported for this variant. This variant has not been reported in individuals affected with hereditary cancer in the literature. This variant has not been identified in the general population by the Genome Aggregation Database (gnomAD). The available evidence is insufficient to determine the role of this variant in disease conclusively. Therefore, this variant is classified as a Variant of Uncertain Significance.

GeneKor MSA
Classification: Uncertain significance for Hereditary cancer-predisposing syndrome. Last evaluated: 2018-08-01. Review status: criteria provided, single submitter. Criteria: ACMG Guidelines, 2015. Collection method: clinical testing. Allele origin: germline. Affected: yes.

Literature cited by the submitters: PubMed 31159747 (cited by Ambry Genetics).

NM_000038.6(APC):c.6368G>A (p.Cys2123Tyr)

Gene: APC (APC regulator of Wnt signaling pathway; plus strand). Cytogenetic location: 5q22.2.
Variant type: single nucleotide variant.
Coding change: c.6368G>A on transcript NM_000038.6 (MANE Select); coding-DNA position 6368, G replaced by A.
Protein change: p.Cys2123Tyr; replaces cysteine 2123 with tyrosine.
Molecular consequence: missense variant.
Genome position (GRCh38, 1-based): chr5:112,841,962, G>A. VCF-style: chr5-112841962-G-A. GRCh37 (hg19) VCF-style: chr5-112177659-G-A.
Other names: c.6368G>A, p.Cys2123Tyr (NM_001127510.3, NM_001354895.2); c.6314G>A, p.Cys2105Tyr (NM_001127511.3); c.6422G>A, p.Cys2141Tyr (NM_001354896.2); c.6398G>A, p.Cys2133Tyr (NM_001354897.2); c.6293G>A, p.Cys2098Tyr (NM_001354898.2); c.6284G>A, p.Cys2095Tyr (NM_001354899.2); c.6245G>A, p.Cys2082Tyr (NM_001354900.2); c.6191G>A, p.Cys2064Tyr (NM_001354901.2); and 5 more; short protein forms C2123Y, C2105Y, C2133Y, C2141Y, C1997Y, C2082Y, C2098Y, C2032Y.
Identifiers: ClinVar variation 571535 (VCV000571535.19), dbSNP rs878853463, ClinGen allele CA16035275.